The following is an entry in ClinVar:

NM_001005373.4(LRSAM1):c.1043+2T>G

Gene: LRSAM1 (leucine rich repeat and sterile alpha motif containing 1; plus strand). Cytogenetic location: 9q33.3.
Variant type: single nucleotide variant.
Coding change: c.1043+2T>G on transcript NM_001005373.4 (MANE Select); the canonical splice donor site of the intron after coding-DNA position 1043, T replaced by G.
Molecular consequence: splice donor variant.
Genome position (GRCh38, 1-based): chr9:127,479,980, T>G. VCF-style: chr9-127479980-T-G. GRCh37 (hg19) VCF-style: chr9-130242259-T-G.
Other names: c.1043+2T>G (NM_138361.5, NM_001384142.1, NM_001384143.1 and 2 more transcripts); c.254+2T>G (NM_001384144.1).
Identifiers: ClinVar variation 577857 (VCV000577857.7), dbSNP rs746455518, ClinGen allele CA374931662.

ClinVar aggregate classification (germline): Likely pathogenic (1 of 4 stars; one submission).

Conditions:
Charcot-Marie-Tooth disease axonal type 2P. Also called: CHARCOT-MARIE-TOOTH NEUROPATHY, TYPE 2P; CHARCOT-MARIE-TOOTH DISEASE, AXONAL, TYPE 2G; CMT 2G; Charcot-Marie-Tooth Neuropathy Type 2G. Identifiers: Orphanet 300319, Orphanet 99941, MedGen C3280797, MONDO:0013753, OMIM 614436.

Submission:

Labcorp Genetics (formerly Invitae), Labcorp
Classification: Likely pathogenic for Charcot-Marie-Tooth disease axonal type 2P. Last evaluated: 2018-06-21. Review status: criteria provided, single submitter. Criteria: Invitae Variant Classification Sherloc (09022015). Collection method: clinical testing. Allele origin: germline.
Comment: In summary, the currently available evidence indicates that the variant is pathogenic, but additional data are needed to prove that conclusively. Therefore, this variant has been classified as Likely Pathogenic. Donor and acceptor splice site variants typically lead to a loss of protein function (PMID: 16199547), and loss-of-function variants in LRSAM1 are known to be pathogenic (PMID: 20865121). This variant has not been reported in the literature in individuals with LRSAM1-related disease. This variant is not present in population databases (ExAC no frequency). This sequence change affects a donor splice site in intron 13 of the LRSAM1 gene. It is expected to disrupt RNA splicing and likely results in an absent or disrupted protein product.

Literature cited by the submitters: PubMed 16199547; PubMed 20865121.